The following is an entry in ClinVar:

NM_001348768.2(HECW2):c.3065G>A (p.Ser1022Asn)

Gene: HECW2 (HECT, C2 and WW domain containing E3 ubiquitin protein ligase 2; minus strand). Cytogenetic location: 2q32.3.
Variant type: single nucleotide variant.
Coding change: c.3065G>A on transcript NM_001348768.2 (MANE Select); coding-DNA position 3065, G replaced by A.
Protein change: p.Ser1022Asn; replaces serine 1022 with asparagine.
Molecular consequence: missense variant.
Genome position (GRCh38, 1-based): chr2:196,278,598, C>T on the plus strand (G>A on the coding strand, the complement: HECW2 is on the minus strand). VCF-style: chr2-196278598-C-T. GRCh37 (hg19) VCF-style: chr2-197143322-C-T.
Other names: c.1997G>A, p.Ser666Asn (NM_001304840.3); c.3065G>A, p.Ser1022Asn (NM_020760.4); short protein forms S1022N, S666N.
Identifiers: ClinVar variation 4056550 (VCV004056550.1).

ClinVar aggregate classification (germline): Uncertain significance (1 of 4 stars; one submission).

Conditions:
Neurodevelopmental disorder with hypotonia, seizures, and absent language (NDHSAL). Identifiers: MedGen C4310643, MONDO:0014995, OMIM 617268.

gnomAD v4.1: 1 of 1,613,982 alleles (0.000062%); highest among the groups gnomAD compares: African/African-American, 0.0013%; no homozygotes.

Submission:

Laboratorio de Genetica e Diagnostico Molecular, Hospital Israelita Albert Einstein
Classification: Uncertain significance for Neurodevelopmental disorder with hypotonia, seizures, and absent language. Last evaluated: 2025-03-14. Review status: criteria provided, single submitter. Criteria: ACMG Guidelines, 2015. Collection method: clinical testing. Allele origin: germline. Affected: yes.
Comment: ACMG classification criteria: PM2 supporting, PP2 supporting